The following is an entry in ClinVar:

ClinVar aggregate classification (germline): Uncertain significance (1 of 4 stars; one submission).

Conditions:
DICER1-related tumor predisposition. Also called: DICER1-related pleuropulmonary blastoma cancer predisposition syndrome; DICER1 syndrome. Identifiers: Orphanet 284343, MedGen C3839822, MONDO:0100216.

Submission:

Labcorp Genetics (formerly Invitae), Labcorp
Classification: Uncertain significance for DICER1-related tumor predisposition. Last evaluated: 2024-07-14. Review status: criteria provided, single submitter. Criteria: Invitae Variant Classification Sherloc (09022015). Collection method: clinical testing. Allele origin: germline.
Comment: This sequence change replaces alanine, which is neutral and non-polar, with glutamic acid, which is acidic and polar, at codon 180 of the DICER1 protein (p.Ala180Glu). This variant is not present in population databases (gnomAD no frequency). This variant has not been reported in the literature in individuals affected with DICER1-related conditions. Advanced modeling of protein sequence and biophysical properties (such as structural, functional, and spatial information, amino acid conservation, physicochemical variation, residue mobility, and thermodynamic stability) performed at Invitae indicates that this missense variant is expected to disrupt DICER1 protein function with a positive predictive value of 80%. In summary, the available evidence is currently insufficient to determine the role of this variant in disease. Therefore, it has been classified as a Variant of Uncertain Significance.

NM_177438.3(DICER1):c.539C>A (p.Ala180Glu)

Gene: DICER1 (dicer 1, ribonuclease III; minus strand). Cytogenetic location: 14q32.13.
Variant type: single nucleotide variant.
Coding change: c.539C>A on transcript NM_177438.3 (MANE Select); coding-DNA position 539, C replaced by A.
Protein change: p.Ala180Glu; replaces alanine 180 with glutamic acid.
Molecular consequence: missense variant. On other transcripts: non-coding transcript variant (6), intron variant (1), 5 prime UTR variant (1).
Genome position (GRCh38, 1-based): chr14:95,130,092, G>T on the plus strand (C>A on the coding strand, the complement: DICER1 is on the minus strand). VCF-style: chr14-95130092-G-T. GRCh37 (hg19) VCF-style: chr14-95596429-G-T.
Other names: c.539C>A, p.Ala180Glu (NM_001395699.1, NM_001395700.1, NM_030621.4 and 14 more transcripts); c.-20-9C>A (NM_001395691.1); c.257C>A, p.Ala86Glu (NM_001395686.1); c.134C>A, p.Ala45Glu (NM_001395687.1, NM_001395688.1, NM_001395689.1 and 3 more transcripts); c.-1030C>A (NM_001395697.1); short protein forms A180E, A86E, A45E.
Identifiers: ClinVar variation 3659480 (VCV003659480.2).